The following is an entry in ClinVar:

ClinVar aggregate classification (germline): Uncertain significance (1 of 4 stars; one submission).

Conditions:
Dilated cardiomyopathy 1AA (CMD1AA). Also called: CARDIOMYOPATHY, DILATED, 1AA, WITH OR WITHOUT LEFT VENTRICULAR NONCOMPACTION; CARDIOMYOPATHY, FAMILIAL HYPERTROPHIC, 23, WITH OR WITHOUT LEFT VENTRICULAR NONCOMPACTION; Cardiomyopathy, dilated, 1AA, with or without LVNC. Identifiers: Orphanet 154, MedGen C2677338, MONDO:0012808, OMIM 612158.
Primary familial hypertrophic cardiomyopathy (HCM). Identifiers: Orphanet 99739, MedGen C0949658, MeSH D024741, MONDO:0024573. Inheritance: Various modes of inheritance.

Submission:

Labcorp Genetics (formerly Invitae), Labcorp
Classification: Uncertain significance for Primary familial hypertrophic cardiomyopathy; Dilated cardiomyopathy 1AA. Last evaluated: 2023-01-01. Review status: criteria provided, single submitter. Criteria: Invitae Variant Classification Sherloc (09022015). Collection method: clinical testing. Allele origin: germline.
Comment: This variant is not present in population databases (gnomAD no frequency). This sequence change replaces lysine, which is basic and polar, with isoleucine, which is neutral and non-polar, at codon 110 of the ACTN2 protein (p.Lys110Ile). This variant has not been reported in the literature in individuals affected with ACTN2-related conditions. In summary, the available evidence is currently insufficient to determine the role of this variant in disease. Therefore, it has been classified as a Variant of Uncertain Significance. Advanced modeling of protein sequence and biophysical properties (such as structural, functional, and spatial information, amino acid conservation, physicochemical variation, residue mobility, and thermodynamic stability) performed at Invitae indicates that this missense variant is expected to disrupt ACTN2 protein function.

NM_001103.4(ACTN2):c.329A>T (p.Lys110Ile)

Gene: ACTN2 (actinin alpha 2; plus strand). Cytogenetic location: 1q43.
Variant type: single nucleotide variant.
Coding change: c.329A>T on transcript NM_001103.4 (MANE Select); coding-DNA position 329, A replaced by T.
Protein change: p.Lys110Ile; replaces lysine 110 with isoleucine.
Molecular consequence: missense variant. On other transcripts: non-coding transcript variant (1).
Genome position (GRCh38, 1-based): chr1:236,718,981, A>T. VCF-style: chr1-236718981-A-T. GRCh37 (hg19) VCF-style: chr1-236882281-A-T.
Other names: c.329A>T, p.Lys110Ile (NM_001278343.2); c.-493A>T (NM_001278344.2); c.-618A>T (NM_001412150.1); short protein forms K110I.
Identifiers: ClinVar variation 2942871 (VCV002942871.3), dbSNP rs2527538516, ClinGen allele CA345373639.